The following is an entry in ClinVar:

ClinVar aggregate classification (germline): Uncertain significance (1 of 4 stars; one submission).

Conditions:
Hypertrophic cardiomyopathy 1 (CMH1). Also called: MYH7-Related Familial Hypertrophic Cardiomyopathy; Familial hypertrophic cardiomyopathy 1. Identifiers: MedGen C3495498, MONDO:0008647, OMIM 192600.

gnomAD v4.1: 1 of 1,612,470 alleles (0.000062%); no homozygotes.

Submission:

Labcorp Genetics (formerly Invitae), Labcorp
Classification: Uncertain significance for Hypertrophic cardiomyopathy 1. Last evaluated: 2020-03-14. Review status: criteria provided, single submitter. Criteria: Invitae Variant Classification Sherloc (09022015). Collection method: clinical testing. Allele origin: germline.
Comment: In summary, the available evidence is currently insufficient to determine the role of this variant in disease. Therefore, it has been classified as a Variant of Uncertain Significance. This sequence change replaces aspartic acid with valine at codon 258 of the MYLK2 protein (p.Asp258Val). The aspartic acid residue is highly conserved and there is a large physicochemical difference between aspartic acid and valine. This variant is not present in population databases (ExAC no frequency). This variant has not been reported in the literature in individuals with MYLK2-related conditions. Algorithms developed to predict the effect of missense changes on protein structure and function are either unavailable or do not agree on the potential impact of this missense change (SIFT: "Deleterious"; PolyPhen-2: "Benign"; Align-GVGD: "Class C15").

NM_033118.4(MYLK2):c.773A>T (p.Asp258Val)

Gene: MYLK2 (myosin light chain kinase 2; plus strand). Cytogenetic location: 20q11.21.
Variant type: single nucleotide variant.
Coding change: c.773A>T on transcript NM_033118.4 (MANE Select); coding-DNA position 773, A replaced by T.
Protein change: p.Asp258Val; replaces aspartic acid 258 with valine.
Molecular consequence: missense variant.
Genome position (GRCh38, 1-based): chr20:31,823,477, A>T. VCF-style: chr20-31823477-A-T. GRCh37 (hg19) VCF-style: chr20-30411280-A-T.
Other names: short protein forms D258V.
Identifiers: ClinVar variation 1063062 (VCV001063062.9), dbSNP rs2123130394, ClinGen allele CA408526351.
Genomic context (GRCh38, chr20:31,823,477, plus strand): 5'-CCAAGGGGAATCCTCAGCAGCCCCTGGCACTGACCATGAGGGCTGTGCTCTGTCCCCCAG[A>T]TGATTGCCCGCCACCTCCGGCCCCCTTCCCTCACCGCATGGTGGAGCTGAGGACCGGGAA-3'
Protein context (NP_149109.1, residues 248-268): AREEDCFQIL[Asp258Val]DCPPPPAPFP